The following is an entry in ClinVar:

NM_016356.5(DCDC2):c.1327-62A>G

Gene: DCDC2 (doublecortin domain containing 2; minus strand). Cytogenetic location: 6p22.3.
Variant type: single nucleotide variant.
Coding change: c.1327-62A>G on transcript NM_016356.5 (MANE Select); 62 bases into the intron before coding-DNA position 1327, A replaced by G.
Molecular consequence: intron variant.
Genome position (GRCh38, 1-based): chr6:24,174,896, T>C on the plus strand (A>G on the coding strand, the complement: DCDC2 is on the minus strand). VCF-style: chr6-24174896-T-C. GRCh37 (hg19) VCF-style: chr6-24175124-T-C.
Other names: NC_000006.11:g.24175124T>C; c.1327-62A>G (NM_001195610.2).
Identifiers: ClinVar variation 682615 (VCV000682615.2), dbSNP rs3789219, ClinGen allele CA136621796.
Genomic context (GRCh38, chr6:24,174,896, plus strand): 5'-TAGAAGAAAATAGATCAAAACAAAGGTATTCAGCTGTTTGGTTCACAAAGGTAATGACAT[T>C]TATAAAGAAAAAATTACTCAAGATTCTATTTAATTATATAAATATTTAACTAAAAAGAGT-3'

ClinVar aggregate classification (germline): Benign (1 of 4 stars; one submission).

Allele frequency attached by ClinVar (database versions not stated): gnomAD exomes 0.19878; gnomAD 0.20167 and 0.19297; TOPMed 0.20725; 1000 Genomes Project 0.27915; 1000 Genomes Project 30x 0.26718.
gnomAD v4.1: 199,235 of 998,074 alleles (20%); highest among the groups gnomAD compares: East Asian, 57%; 24,239 homozygotes.

Submissions (3):

GeneDx
Classification: Benign. Last evaluated: 2018-06-16. Review status: criteria provided, single submitter. Criteria: GeneDx Variant Classification (06012015). Collection method: clinical testing. Allele origin: germline. Affected: yes.
Comment: This variant is considered likely benign or benign based on one or more of the following criteria: it is a conservative change, it occurs at a poorly conserved position in the protein, it is predicted to be benign by multiple in silico algorithms, and/or has population frequency not consistent with disease.

Dr. Peter K. Rogan Lab, Western University
No classification provided (evidence only). Condition: Uterine carcinosarcoma. Review status: no classification provided. Collection method: in vitro. Allele origin: not applicable. Functional consequence: retained intron. Not counted in ClinVar's aggregate classification.

Dr. Peter K. Rogan Lab, Western University
No classification provided (evidence only). Condition: Uterine carcinosarcoma. Review status: no classification provided. Collection method: in vitro. Allele origin: not applicable. Functional consequence: retained intron. Not counted in ClinVar's aggregate classification.